The following is an entry in ClinVar:

NM_013266.4(CTNNA3):c.16C>G (p.Pro6Ala)

Gene: CTNNA3 (catenin alpha 3; minus strand). Cytogenetic location: 10q21.3.
Variant type: single nucleotide variant.
Coding change: c.16C>G on transcript NM_013266.4 (MANE Select); coding-DNA position 16, C replaced by G.
Protein change: p.Pro6Ala; replaces proline 6 with alanine.
Molecular consequence: missense variant.
Genome position (GRCh38, 1-based): chr10:67,647,498, G>C on the plus strand (C>G on the coding strand, the complement: CTNNA3 is on the minus strand). VCF-style: chr10-67647498-G-C. GRCh37 (hg19) VCF-style: chr10-69407256-G-C.
Other names: c.16C>G, p.Pro6Ala (NM_001127384.3); c.52C>G, p.Pro18Ala (NM_001291133.2); c.16C>G (NM_013266.2); short protein forms P18A, P6A.
Identifiers: ClinVar variation 1022003 (VCV001022003.11), dbSNP rs756147614, ClinGen allele CA5520730.

ClinVar aggregate classification (germline): Uncertain significance. Review status: criteria provided, multiple submitters, no conflicts (2 of 4 stars). 2 submissions from 2 submitters: Uncertain significance (2). Last evaluated 2025-12-24.

Conditions:
Arrhythmogenic right ventricular dysplasia 13. Also called: Arrhythmogenic right ventricular dysplasia, familial, 13; ARRHYTHMOGENIC RIGHT VENTRICULAR CARDIOMYOPATHY 13. Identifiers: MedGen C3810138, MONDO:0000908, OMIM 615616.

gnomAD v4.1: 8 of 1,613,134 alleles (0.0005%); highest among the groups gnomAD compares: Non-Finnish European, 0.00068%; no homozygotes.

Submissions (2):

Ambry Genetics
Classification: Uncertain significance. Last evaluated: 2025-12-24. Review status: criteria provided, single submitter. Criteria: Ambry Variant Classification Scheme 2023. Collection method: clinical testing. Allele origin: germline.
Comment: The p.P6A variant (also known as c.16C>G), located in coding exon 1 of the CTNNA3 gene, results from a C to G substitution at nucleotide position 16. The proline at codon 6 is replaced by alanine, an amino acid with highly similar properties. This amino acid position is conserved. In addition, this alteration is predicted to be tolerated by in silico analysis. Based on the available evidence, the clinical significance of this variant remains unclear.

Labcorp Genetics (formerly Invitae), Labcorp
Classification: Uncertain significance for Arrhythmogenic right ventricular dysplasia 13. Last evaluated: 2024-03-14. Review status: criteria provided, single submitter. Criteria: Invitae Variant Classification Sherloc (09022015). Collection method: clinical testing. Allele origin: germline.
Comment: This sequence change replaces proline, which is neutral and non-polar, with alanine, which is neutral and non-polar, at codon 6 of the CTNNA3 protein (p.Pro6Ala). This variant is present in population databases (rs756147614, gnomAD 0.003%). This variant has not been reported in the literature in individuals affected with CTNNA3-related conditions. ClinVar contains an entry for this variant (Variation ID: 1022003). An algorithm developed to predict the effect of missense changes on protein structure and function (PolyPhen-2) suggests that this variant is likely to be disruptive. In summary, the available evidence is currently insufficient to determine the role of this variant in disease. Therefore, it has been classified as a Variant of Uncertain Significance.